The following is an entry in ClinVar:

NM_004304.5(ALK):c.3516C>G (p.Ser1172Arg)

Gene: ALK (ALK receptor tyrosine kinase; minus strand). Cytogenetic location: 2p23.2.
Variant type: single nucleotide variant.
Coding change: c.3516C>G on transcript NM_004304.5 (MANE Select); coding-DNA position 3516, C replaced by G.
Protein change: p.Ser1172Arg; replaces serine 1172 with arginine.
Molecular consequence: missense variant.
Genome position (GRCh38, 1-based): chr2:29,220,835, G>C on the plus strand (C>G on the coding strand, the complement: ALK is on the minus strand). VCF-style: chr2-29220835-G-C. GRCh37 (hg19) VCF-style: chr2-29443701-G-C.
Other names: c.312C>G, p.Ser104Arg (NM_001353765.2); short protein forms S1172R, S104R.
Identifiers: ClinVar variation 1732207 (VCV001732207.2), dbSNP rs2148166741, ClinGen allele CA346473199.

ClinVar aggregate classification (germline): Uncertain significance (1 of 4 stars; one submission).

Conditions:
Hereditary cancer-predisposing syndrome. Also called: Neoplastic Syndromes, Hereditary; Tumor predisposition; Hereditary Cancer Syndrome; Hereditary neoplastic syndrome. Identifiers: Orphanet 140162, MedGen C0027672, MeSH D009386, MONDO:0015356.

Allele frequency attached by ClinVar (database versions not stated): gnomAD exomes below 0.00001.
gnomAD v4.1: 1 of 1,614,100 alleles (0.000062%); highest among the groups gnomAD compares: Non-Finnish European, 0.000085%; no homozygotes.

Submission:

Ambry Genetics
Classification: Uncertain significance for Hereditary cancer-predisposing syndrome. Last evaluated: 2022-05-27. Review status: criteria provided, single submitter. Criteria: Ambry Variant Classification Scheme 2023. Collection method: clinical testing. Allele origin: germline.
Comment: The p.S1172R variant (also known as c.3516C>G) is located in coding exon 23 of the ALK gene. The serine at codon 1172 is replaced by arginine, an amino acid with dissimilar properties. This change occurs in the first base pair of coding exon 23. This amino acid position is highly conserved in available vertebrate species. In addition, the in silico prediction for this alteration is inconclusive. Since supporting evidence is limited at this time, the clinical significance of this alteration remains unclear.